The following is an entry in ClinVar:

ClinVar aggregate classification (germline): Benign. Review status: criteria provided, multiple submitters, no conflicts (2 of 4 stars). 2 submissions from 2 submitters: Benign (2). Last evaluated 2018-01-13.

Conditions:
Platelet-type bleeding disorder 10. Also called: CD36 DEFICIENCY. Identifiers: MedGen C1842090, MONDO:0012031, OMIM 608404.

Allele frequency attached by ClinVar (database versions not stated): 1000 Genomes Project 0.63339; gnomAD exomes 0.37500; gnomAD 0.52139 and 0.52854; 1000 Genomes Project 30x 0.63289; TOPMed 0.52484.

Submissions (2):

Illumina Laboratory Services, Illumina
Classification: Benign for Platelet-type bleeding disorder 10. Last evaluated: 2018-01-13. Review status: criteria provided, single submitter. Criteria: ICSL Variant Classification Criteria 13 December 2019. Collection method: clinical testing. Allele origin: germline.
Comment: This variant was observed in the ICSL laboratory as part of a predisposition screen in an ostensibly healthy population. It had not been previously curated by ICSL or reported in the Human Gene Mutation Database (HGMD: prior to June 1st, 2018), and was therefore a candidate for classification through an automated scoring system. Utilizing variant allele frequency, disease prevalence and penetrance estimates, and inheritance mode, an automated score was calculated to assess if this variant is too frequent to cause the disease. Based on the score and internal cut-off values, a variant classified as benign is not then subjected to further curation. The score for this variant resulted in a classification of benign for this disease.

Breakthrough Genomics
Classification: Benign. Review status: criteria provided, single submitter. Criteria: ACMG Guidelines, 2015. Collection method: not provided. Allele origin: germline. Inheritance: Autosomal recessive inheritance. Affected: yes.

NM_001001547.2(CD36):c.-375G>C

Gene: CD36 (CD36 molecule (CD36 blood group); plus strand). Cytogenetic location: 7q21.11.
Variant type: single nucleotide variant.
Coding change: c.-375G>C on transcript NM_001001547.2; 375 bases upstream of the start codon, G replaced by C.
Genome position (GRCh38, 1-based): chr7:80,602,188, G>C. VCF-style: chr7-80602188-G-C. GRCh37 (hg19) VCF-style: chr7-80231504-G-C.
Identifiers: ClinVar variation 360740 (VCV000360740.8), dbSNP rs1194182, ClinGen allele CA10626443.
Genomic context (GRCh38, chr7:80,602,188, plus strand): 5'-CAGGTGTCAGGGATCTATATTTAACTTGTGTTAGGCATGCGTCCGAAGAGCTGGAAGGCT[G>C]AGGATGTCAATGGCTTTCAGATGTCAGGATAACCTTAAGGATAGATGAAGGGTTGAGAGC-3'